The following is an entry in ClinVar:

NM_018063.5(HELLS):c.2428A>C (p.Met810Leu)

Gene: HELLS (helicase, lymphoid specific; plus strand). Cytogenetic location: 10q23.33.
Variant type: single nucleotide variant.
Coding change: c.2428A>C on transcript NM_018063.5 (MANE Select); coding-DNA position 2428, A replaced by C.
Protein change: p.Met810Leu; replaces methionine 810 with leucine.
Molecular consequence: missense variant.
Genome position (GRCh38, 1-based): chr10:94,601,533, A>C. VCF-style: chr10-94601533-A-C. GRCh37 (hg19) VCF-style: chr10-96361290-A-C.
Other names: c.2566A>C, p.Met856Leu (NM_001289067.2); c.2380A>C, p.Met794Leu (NM_001289068.2); c.2332A>C, p.Met778Leu (NM_001289069.2); c.2134A>C, p.Met712Leu (NM_001289070.2); c.2056A>C, p.Met686Leu (NM_001289071.2); c.2038A>C, p.Met680Leu (NM_001289072.2); c.2014A>C, p.Met672Leu (NM_001289073.2); c.1345A>C, p.Met449Leu (NM_001289074.2); and 1 more; short protein forms M712L, M856L, M672L, M680L, M686L, M778L, M794L, M404L.
Identifiers: ClinVar variation 1390046 (VCV001390046.6), dbSNP rs1846031428, ClinGen allele CA377669259.

ClinVar aggregate classification (germline): Uncertain significance (1 of 4 stars; one submission).

Allele frequency attached by ClinVar (database versions not stated): gnomAD exomes below 0.00001.
gnomAD v4.1: 1 of 1,511,744 alleles (0.000066%); highest among the groups gnomAD compares: Non-Finnish European, 0.000091%; no homozygotes.

Submission:

Labcorp Genetics (formerly Invitae), Labcorp
Classification: Uncertain significance. Last evaluated: 2021-10-29. Review status: criteria provided, single submitter. Criteria: Invitae Variant Classification Sherloc (09022015). Collection method: clinical testing. Allele origin: germline.
Comment: This sequence change replaces methionine, which is neutral and non-polar, with leucine, which is neutral and non-polar, at codon 810 of the HELLS protein (p.Met810Leu). This variant is not present in population databases (gnomAD no frequency). This variant has not been reported in the literature in individuals affected with HELLS-related conditions. Algorithms developed to predict the effect of missense changes on protein structure and function (SIFT, PolyPhen-2, Align-GVGD) all suggest that this variant is likely to be tolerated. In summary, the available evidence is currently insufficient to determine the role of this variant in disease. Therefore, it has been classified as a Variant of Uncertain Significance.